The following is an entry in ClinVar:

NM_001163435.3(TBCK):c.487G>C (p.Ala163Pro)

Gene: TBCK (TBC1 domain containing kinase; minus strand). Cytogenetic location: 4q24.
Variant type: single nucleotide variant.
Coding change: c.487G>C on transcript NM_001163435.3 (MANE Select); coding-DNA position 487, G replaced by C.
Protein change: p.Ala163Pro; replaces alanine 163 with proline.
Molecular consequence: missense variant. On other transcripts: 5 prime UTR variant (1), intron variant (1).
Genome position (GRCh38, 1-based): chr4:106,251,976, C>G on the plus strand (G>C on the coding strand, the complement: TBCK is on the minus strand). VCF-style: chr4-106251976-C-G. GRCh37 (hg19) VCF-style: chr4-107173133-C-G.
Other names: c.487G>C, p.Ala163Pro (NM_001163436.4); c.-30G>C (NM_001290768.2); c.298G>C, p.Ala100Pro (NM_033115.5); c.480+7G>C (NM_001163437.3); c.487G>C (NM_001163435.1); short protein forms A100P, A163P.
Identifiers: ClinVar variation 1934103 (VCV001934103.3), dbSNP rs778007258, ClinGen allele CA3035428.

ClinVar aggregate classification (germline): Uncertain significance. Review status: criteria provided, multiple submitters, no conflicts (2 of 4 stars). 2 submissions from 2 submitters: Uncertain significance (2). Last evaluated 2024-05-13.

Conditions:
Inborn genetic diseases. Identifiers: MedGen C0950123, MeSH D030342.

Allele frequency attached by ClinVar (database versions not stated): ExAC 0.00001; gnomAD 0.00001; TOPMed 0.00004.
gnomAD v4.1: 21 of 1,610,656 alleles (0.0013%); highest among the groups gnomAD compares: Admixed American, 0.0067%; no homozygotes.

Submissions (2):

Ambry Genetics
Classification: Uncertain significance for Inborn genetic diseases. Last evaluated: 2024-05-13. Review status: criteria provided, single submitter. Criteria: Ambry Variant Classification Scheme 2023. Collection method: clinical testing. Allele origin: germline.

Labcorp Genetics (formerly Invitae), Labcorp
Classification: Uncertain significance. Last evaluated: 2022-07-24. Review status: criteria provided, single submitter. Criteria: Invitae Variant Classification Sherloc (09022015). Collection method: clinical testing. Allele origin: germline.
Comment: This sequence change replaces alanine, which is neutral and non-polar, with proline, which is neutral and non-polar, at codon 163 of the TBCK protein (p.Ala163Pro). This variant is present in population databases (rs778007258, gnomAD 0.003%). This variant has not been reported in the literature in individuals affected with TBCK-related conditions. Algorithms developed to predict the effect of missense changes on protein structure and function are either unavailable or do not agree on the potential impact of this missense change (SIFT: "Tolerated"; PolyPhen-2: "Probably Damaging"; Align-GVGD: "Class C0"). In summary, the available evidence is currently insufficient to determine the role of this variant in disease. Therefore, it has been classified as a Variant of Uncertain Significance.